The following is an entry in ClinVar:

NM_015506.3(MMACHC):c.80A>G (p.Gln27Arg)

Gene: MMACHC (metabolism of cobalamin associated C; plus strand). Cytogenetic location: 1p34.1.
Variant type: single nucleotide variant.
Coding change: c.80A>G on transcript NM_015506.3 (MANE Select); coding-DNA position 80, A replaced by G.
Protein change: p.Gln27Arg; replaces glutamine 27 with arginine.
Molecular consequence: missense variant. On other transcripts: 5 prime UTR variant (1).
Genome position (GRCh38, 1-based): chr1:45,500,412, A>G. VCF-style: chr1-45500412-A-G. GRCh37 (hg19) VCF-style: chr1-45966084-A-G.
Other names: c.-143A>G (NM_001330540.2); short protein forms Q27R.
Identifiers: ClinVar variation 552467 (VCV000552467.22), dbSNP rs546099787, ClinGen allele CA827620.

ClinVar aggregate classification (germline): Pathogenic. Review status: criteria provided, multiple submitters, no conflicts (2 of 4 stars). 6 submissions from 6 submitters: Pathogenic (5). 1 of the submissions does not count toward it. Last evaluated 2025-11-10.

Conditions:
Cobalamin C disease. Also called: Cobalamin-C methylmalonic acidemia and homocystinuria; Methylmalonic acidemia and homocystinuria cblC type; Methylmalonic aciduria with homocystinuria cblC type; methylmalonic aciduria and homocystinuria type cblC; Methylmalonic aciduria and homocystinuria, Vitamin B12-responsive; Vitamin B12 metabolic defect with combined deficiency of methylmalonyl-CoA mutase and homocysteine:methyltetrahydrofolate methyltransferase. Identifiers: Orphanet 26, Orphanet 79282, MedGen C1848561, MONDO:0010184, OMIM 277400.

Allele frequency attached by ClinVar (database versions not stated): gnomAD 0.00001; gnomAD exomes 0.00001; ExAC 0.00002; TOPMed 0.00005; 1000 Genomes Project 0.00020; 1000 Genomes Project 30x 0.00031.
gnomAD v4.1: 11 of 1,614,136 alleles (0.00068%); highest among the groups gnomAD compares: East Asian, 0.022%; no homozygotes.

Submissions (6):

Natera, Inc.
Classification: Pathogenic for Methylmalonic aciduria and homocystinuria cblC type. Last evaluated: 2025-11-10. Review status: criteria provided, single submitter. Criteria: Natera Variant Classification Schema (03/2026). Collection method: clinical testing. Allele origin: germline.
Comment: The c.80A>G variant in MMACHC is a missense variant predicted to cause substitution of glutamine to arginine at amino acid 27. This variant is rare in the general population with a frequency below the threshold expected for the associated phenotype(s). This variant has been observed in one or more individuals affected with the associated recessive disease, as either homozygous or compound heterozygous with a second variant (PMID: 20631720, 28327205). Given the available evidence, this variant is classified as Pathogenic.

Labcorp Genetics (formerly Invitae), Labcorp
Classification: Pathogenic for Cobalamin C disease. Last evaluated: 2025-07-29. Review status: criteria provided, single submitter. Criteria: Invitae Variant Classification Sherloc (09022015). Collection method: clinical testing. Allele origin: germline.
Comment: This sequence change replaces glutamine, which is neutral and polar, with arginine, which is basic and polar, at codon 27 of the MMACHC protein (p.Gln27Arg). This variant is present in population databases (rs546099787, gnomAD 0.02%). This missense change has been observed in individual(s) with methylmalonic aciduria and/or homocystinuria, cblC type (PMID: 20924684, 28327205). In at least one individual the data is consistent with being in trans (on the opposite chromosome) from a pathogenic variant. ClinVar contains an entry for this variant (Variation ID: 552467). An algorithm developed to predict the effect of missense changes on protein structure and function (PolyPhen-2) suggests that this variant is likely to be tolerated. Algorithms developed to predict the effect of sequence changes on RNA splicing suggest that this variant may disrupt the consensus splice site. For these reasons, this variant has been classified as Pathogenic.

Women's Health and Genetics/Laboratory Corporation of America, LabCorp
Classification: Pathogenic for Cobalamin C disease. Last evaluated: 2023-07-26. Review status: criteria provided, single submitter. Criteria: LabCorp Variant Classification Summary - May 2015. Collection method: clinical testing. Allele origin: germline.
Comment: Variant summary: MMACHC c.80A>G (p.Gln27Arg) results in a conservative amino acid change in the encoded protein sequence. Three of five in-silico tools predict a benign effect of the variant on protein function. Computational tools predict no significant impact on normal splicing. However, to our knowledge, these predictions have yet to be confirmed by functional studies. The variant allele was found at a frequency of 1.2e-05 in 249530 control chromosomes (gnomAD). c.80A>G has been reported in the literature as a biallelic genotype in multiple individuals affected with Methylmalonic Acidemia With Homocystinuria and it has been suggested that it is a founder variant in individuals of Chinese ancestry (e.g. Lerner-Ellis_2006, Liu_2010). These data indicate that the variant is very likely to be associated with disease. The following publications have been ascertained in the context of this evaluation (PMID: 16311595, 20631720). Three submitters have cited clinical-significance assessments for this variant to ClinVar after 2014. All submitters classified the variant as pathogenic. Based on the evidence outlined above, the variant was classified as pathogenic.

Genome-Nilou Lab
Classification: Pathogenic for Cobalamin C disease. Last evaluated: 2023-04-11. Review status: criteria provided, single submitter. Criteria: ACMG Guidelines, 2015. Collection method: clinical testing. Allele origin: germline. Affected: no.

Juno Genomics, Hangzhou Juno Genomics, Inc
Classification: Pathogenic for Cobalamin C disease. Review status: criteria provided, single submitter. Criteria: ACMG Guidelines, 2015. Collection method: clinical testing. Allele origin: germline.
Comment: Absent from controls (or at extremely low frequency if recessive) in Genome Aggregation Database.;For recessive disorders, detected in trans with a pathogenic variant.;Patient's phenotype or family history is highly specific for a disease with a single genetic etiology.

Counsyl
Classification: Pathogenic for Cobalamin C disease. Last evaluated: 2017-06-13. Review status: no assertion criteria provided. Collection method: clinical testing. Allele origin: unknown. Not counted in ClinVar's aggregate classification.

Literature cited by the submitters: PubMed 20631720 (cited by 3 submitters); PubMed 28327205 (cited by Natera, Inc. and Labcorp Genetics (formerly Invitae), Labcorp); PubMed 20924684 (cited by Labcorp Genetics (formerly Invitae), Labcorp and Counsyl); PubMed 16311595 (cited by Women's Health and Genetics/Laboratory Corporation of America, LabCorp); PubMed 16714133 (cited by Counsyl).